The following is an entry in ClinVar:

ClinVar aggregate classification (germline): Benign. Review status: criteria provided, multiple submitters, no conflicts (2 of 4 stars). 10 submissions from 9 submitters: Benign (7). 3 of the submissions do not count toward it. Last evaluated 2026-02-03.

Conditions:
Emery-Dreifuss muscular dystrophy 4, autosomal dominant (EDMD4). Also called: EMERY-DREIFUSS MUSCULAR DYSTROPHY 4 WITH VARIABLE FEATURES. Identifiers: Orphanet 261, MedGen C2751807, MONDO:0013071, OMIM 612998.
Autosomal recessive ataxia, Beauce type. Also called: SYNE1-Related Autosomal Recessive Cerebellar Ataxia; ATAXIA, RECESSIVE, OF BEAUCE; Spinocerebellar ataxia, autosomal recessive 8; SYNE1 Deficiency. Identifiers: Orphanet 88644, MedGen C1853116, MONDO:0012549, OMIM 610743.

Allele frequency attached by ClinVar (database versions not stated): ESP Exome Variant Server 0.07151; 1000 Genomes Project 30x 0.05122; gnomAD exomes 0.05619 and 0.05945; gnomAD 0.06474 and 0.06632; 1000 Genomes Project 0.04872; ExAC 0.05765; TOPMed 0.06438.
gnomAD v4.1: 96,855 of 1,614,018 alleles (6%); highest among the groups gnomAD compares: African/African-American, 7.4%; 3,176 homozygotes.

Submissions (10):

Labcorp Genetics (formerly Invitae), Labcorp
Classification: Benign for Emery-Dreifuss muscular dystrophy 4, autosomal dominant; Autosomal recessive ataxia, Beauce type. Last evaluated: 2026-02-03. Review status: criteria provided, single submitter. Criteria: Invitae Variant Classification Sherloc (09022015). Collection method: clinical testing. Allele origin: germline.

Athena Diagnostics
Classification: Benign. Last evaluated: 2018-11-02. Review status: criteria provided, single submitter. Criteria: Athena Diagnostics Criteria. Collection method: clinical testing. Allele origin: germline.

Illumina Laboratory Services, Illumina
Classification: Benign for Autosomal recessive ataxia, Beauce type. Last evaluated: 2018-01-12. Review status: criteria provided, single submitter. Criteria: ICSL Variant Classification Criteria 13 December 2019. Collection method: clinical testing. Allele origin: germline.
Comment: This variant was observed in the ICSL laboratory as part of a predisposition screen in an ostensibly healthy population. It had not been previously curated by ICSL or reported in the Human Gene Mutation Database (HGMD: prior to June 1st, 2018), and was therefore a candidate for classification through an automated scoring system. Utilizing variant allele frequency, disease prevalence and penetrance estimates, and inheritance mode, an automated score was calculated to assess if this variant is too frequent to cause the disease. Based on the score and internal cut-off values, a variant classified as benign is not then subjected to further curation. The score for this variant resulted in a classification of benign for this disease.

Illumina Laboratory Services, Illumina
Classification: Benign for Emery-Dreifuss muscular dystrophy 4, autosomal dominant. Last evaluated: 2018-01-12. Review status: criteria provided, single submitter. Criteria: ICSL Variant Classification Criteria 13 December 2019. Collection method: clinical testing. Allele origin: germline.
Comment: the same text as in the submission from Illumina Laboratory Services, Illumina above.

Mayo Clinic Laboratories, Mayo Clinic
Classification: Benign. Last evaluated: 2017-08-24. Review status: criteria provided, single submitter. Criteria: ACMG Guidelines, 2015. Collection method: clinical testing. Allele origin: germline. Observed: 127 variant alleles.

GeneDx
Classification: Benign. Last evaluated: 2016-01-30. Review status: criteria provided, single submitter. Criteria: GeneDx Variant Classification (06012015). Collection method: clinical testing. Allele origin: germline. Affected: yes.
Comment: This variant is considered likely benign or benign based on one or more of the following criteria: it is a conservative change, it occurs at a poorly conserved position in the protein, it is predicted to be benign by multiple in silico algorithms, and/or has population frequency not consistent with disease.

PreventionGenetics, part of Exact Sciences
Classification: Benign. Review status: criteria provided, single submitter. Criteria: ACMG Guidelines, 2015. Collection method: clinical testing. Allele origin: germline.

Clinical Genetics DNA and cytogenetics Diagnostics Lab, Erasmus MC, Erasmus Medical Center
Classification: Benign. Review status: no assertion criteria provided. Collection method: clinical testing. Allele origin: germline. Affected: yes. Study: VKGL Data-share Consensus. Not counted in ClinVar's aggregate classification.

Clinical Genetics, Academic Medical Center
Classification: Benign. Review status: no assertion criteria provided. Collection method: clinical testing. Allele origin: germline. Affected: yes. Study: VKGL Data-share Consensus. Not counted in ClinVar's aggregate classification.

Genetic Services Laboratory, University of Chicago
Classification: Likely benign for AllHighlyPenetrant. Review status: no assertion criteria provided. Collection method: clinical testing. Allele origin: germline. Inheritance: Autosomal dominant inheritance. Not counted in ClinVar's aggregate classification.
Comment: Likely benign based on allele frequency in 1000 Genomes Project or ESP global frequency and its presence in a patient with a rare or unrelated disease phenotype. NOT Sanger confirmed.

NM_182961.4(SYNE1):c.3306C>T (p.His1102=)

Gene: SYNE1 (spectrin repeat containing nuclear envelope protein 1; minus strand). Cytogenetic location: 6q25.2.
Variant type: single nucleotide variant.
Coding change: c.3306C>T on transcript NM_182961.4 (MANE Select); coding-DNA position 3306, C replaced by T.
Protein change: p.His1102=; no amino-acid change (histidine 1102 retained).
Molecular consequence: synonymous variant.
Genome position (GRCh38, 1-based): chr6:152,450,714, G>A on the plus strand (C>T on the coding strand, the complement: SYNE1 is on the minus strand). VCF-style: chr6-152450714-G-A. GRCh37 (hg19) VCF-style: chr6-152771849-G-A.
Other names: p.His1109=; c.3327C>T, p.His1109= (NM_033071.5).
Identifiers: ClinVar variation 130439 (VCV000130439.23), dbSNP rs17082701, ClinGen allele CA155461.